The following is an entry in ClinVar:

NM_006073.4(TRDN):c.1672+6T>C

Gene: TRDN (triadin; minus strand). Cytogenetic location: 6q22.31.
Variant type: single nucleotide variant.
Coding change: c.1672+6T>C on transcript NM_006073.4 (MANE Select); 6 bases into the intron after coding-DNA position 1672, T replaced by C.
Molecular consequence: intron variant.
Genome position (GRCh38, 1-based): chr6:123,272,958, A>G on the plus strand (T>C on the coding strand, the complement: TRDN is on the minus strand). VCF-style: chr6-123272958-A-G. GRCh37 (hg19) VCF-style: chr6-123594103-A-G.
Identifiers: ClinVar variation 1963630 (VCV001963630.5), dbSNP rs755974871, ClinGen allele CA3983818.

ClinVar aggregate classification (germline): Conflicting classifications of pathogenicity. Review status: criteria provided, conflicting classifications (1 of 4 stars). 2 submissions from 2 submitters: Uncertain significance (1); Likely benign (1). Last evaluated 2023-06-05.

Conditions:
Catecholaminergic polymorphic ventricular tachycardia 5 (CARDAR). Also called: Ventricular tachycardia, catecholaminergic polymorphic, 5, with or without muscle weakness; CARDIAC ARRHYTHMIA SYNDROME, WITH OR WITHOUT SKELETAL MUSCLE WEAKNESS. Identifiers: Orphanet 3286, MedGen C3809536, MONDO:0014191, OMIM 615441.
Catecholaminergic polymorphic ventricular tachycardia 1. Also called: VENTRICULAR TACHYCARDIA, CATECHOLAMINERGIC POLYMORPHIC, 1, WITH OR WITHOUT ATRIAL DYSFUNCTION AND/OR DILATED CARDIOMYOPATHY; VENTRICULAR TACHYCARDIA, STRESS-INDUCED POLYMORPHIC 1; RYR2-Related Catecholaminergic Polymorphic Ventricular Tachycardia. Identifiers: Orphanet 3286, MedGen C1631597, MONDO:0011484, OMIM 604772.

Allele frequency attached by ClinVar (database versions not stated): gnomAD exomes below 0.00001; gnomAD 0.00001.
gnomAD v4.1: 4 of 1,527,288 alleles (0.00026%); highest among the groups gnomAD compares: Admixed American, 0.0089%; no homozygotes.

Submissions (2):

Labcorp Genetics (formerly Invitae), Labcorp
Classification: Uncertain significance for Catecholaminergic polymorphic ventricular tachycardia 1. Last evaluated: 2023-06-05. Review status: criteria provided, single submitter. Criteria: Invitae Variant Classification Sherloc (09022015). Collection method: clinical testing. Allele origin: germline.
Comment: In summary, the available evidence is currently insufficient to determine the role of this variant in disease. Therefore, it has been classified as a Variant of Uncertain Significance. Variants that disrupt the consensus splice site are a relatively common cause of aberrant splicing (PMID: 17576681, 9536098). Algorithms developed to predict the effect of sequence changes on RNA splicing suggest that this variant is not likely to affect RNA splicing. ClinVar contains an entry for this variant (Variation ID: 1963630). This variant has not been reported in the literature in individuals affected with TRDN-related conditions. This variant is present in population databases (rs755974871, gnomAD 0.02%). This sequence change falls in intron 29 of the TRDN gene. It does not directly change the encoded amino acid sequence of the TRDN protein. It affects a nucleotide within the consensus splice site.

ARUP Laboratories, Molecular Genetics and Genomics, ARUP Laboratories
Classification: Likely benign for Catecholaminergic polymorphic ventricular tachycardia 5. Last evaluated: 2022-12-01. Review status: criteria provided, single submitter. Criteria: ARUP Molecular Germline Variant Investigation Process 2024. Collection method: clinical testing. Allele origin: germline.

Literature cited by the submitters: PubMed 17576681 (cited by Labcorp Genetics (formerly Invitae), Labcorp); PubMed 9536098 (cited by Labcorp Genetics (formerly Invitae), Labcorp).